The following is an entry in ClinVar:

ClinVar aggregate classification (germline): Uncertain significance (1 of 4 stars; one submission).

Conditions:
Developmental and epileptic encephalopathy 94 (DEE94). Also called: Epileptic encephalopathy, childhood-onset; CHD2-Related Neurodevelopmental Disorders. Identifiers: Orphanet 1942, Orphanet 2382, MedGen C3809278, MONDO:0014150, OMIM 615369.

Allele frequency attached by ClinVar (database versions not stated): gnomAD exomes below 0.00001; gnomAD 0.00001; TOPMed 0.00001.
gnomAD v4.1: 5 of 1,613,186 alleles (0.00031%); highest among the groups gnomAD compares: African/African-American, 0.0027%; no homozygotes.

Submission:

Labcorp Genetics (formerly Invitae), Labcorp
Classification: Uncertain significance for Developmental and epileptic encephalopathy 94. Last evaluated: 2025-05-17. Review status: criteria provided, single submitter. Criteria: Invitae Variant Classification Sherloc (09022015). Collection method: clinical testing. Allele origin: germline.
Comment: This sequence change replaces arginine, which is basic and polar, with lysine, which is basic and polar, at codon 1644 of the CHD2 protein (p.Arg1644Lys). This variant is not present in population databases (gnomAD no frequency). This variant has not been reported in the literature in individuals affected with CHD2-related conditions. ClinVar contains an entry for this variant (Variation ID: 1358141). Invitae Evidence Modeling of protein sequence and biophysical properties (such as structural, functional, and spatial information, amino acid conservation, physicochemical variation, residue mobility, and thermodynamic stability) indicates that this missense variant is not expected to disrupt CHD2 protein function with a negative predictive value of 95%. In summary, the available evidence is currently insufficient to determine the role of this variant in disease. Therefore, it has been classified as a Variant of Uncertain Significance.

NM_001271.4(CHD2):c.4931G>A (p.Arg1644Lys)

Gene: CHD2 (chromodomain helicase DNA binding protein 2; plus strand). Cytogenetic location: 15q26.1.
Variant type: single nucleotide variant.
Coding change: c.4931G>A on transcript NM_001271.4 (MANE Select); coding-DNA position 4931, G replaced by A.
Protein change: p.Arg1644Lys; replaces arginine 1644 with lysine.
Molecular consequence: missense variant.
Genome position (GRCh38, 1-based): chr15:93,020,036, G>A. VCF-style: chr15-93020036-G-A. GRCh37 (hg19) VCF-style: chr15-93563266-G-A.
Other names: short protein forms R1644K.
Identifiers: ClinVar variation 1358141 (VCV001358141.6), dbSNP rs997227724, ClinGen allele CA274888338.